The following is an entry in ClinVar:

ClinVar aggregate classification (germline): Likely benign. Review status: criteria provided, multiple submitters, no conflicts (2 of 4 stars). 2 submissions from 2 submitters: Likely benign (2). Last evaluated 2016-06-10.

Allele frequency attached by ClinVar (database versions not stated): 1000 Genomes Project 0.00220; 1000 Genomes Project 30x 0.00250; gnomAD 0.00517; TOPMed 0.00549; gnomAD exomes 0.00927.
gnomAD v4.1: 13,652 of 1,556,214 alleles (0.88%); highest among the groups gnomAD compares: Non-Finnish European, 1.1%; 69 homozygotes.

Submissions (2):

Women's Health and Genetics/Laboratory Corporation of America, LabCorp
Classification: Likely benign. Last evaluated: 2016-06-10. Review status: criteria provided, single submitter. Criteria: LabCorp Variant Classification Summary - May 2015. Collection method: clinical testing. Allele origin: germline.
Comment: Variant summary: The c.2646+55G>T in GAA gene is an intronic variant that affects a non-conserved nucleotide located at a position not widely known to affect splicing. One in silico tool predicts a benign outcome for this variant. 5/5 in silico splicing tools predict no significant effects on splicing, however these predictions have yet to be confirmed by in vitro/vivo studies. This variant was found in 11/5008 control chromosomes from the 1000G control database (coverage of this region in ExAC was too low to be reliable), predominantly observed in the European subpopulation at a frequency of 0.0099 (10/1006). This frequency is over two times the estimated maximal expected allele frequency of a pathogenic GAA variant (0.0042205), suggesting this is likely a benign polymorphism found primarily in the populations of European origin. The variant was not reported in affected individuals in published reports or clinical diagnostic centers. Taken together, based on the prevalence in the general population and lack of a predicted effect on splicing, the variant was classified as Likely Benign.

Breakthrough Genomics
Classification: Likely benign. Review status: criteria provided, single submitter. Criteria: ACMG Guidelines, 2015. Collection method: not provided. Allele origin: germline. Inheritance: Autosomal recessive inheritance. Affected: yes.

NM_000152.5(GAA):c.2646+55G>T

Gene: GAA (alpha glucosidase; plus strand). Cytogenetic location: 17q25.3.
Variant type: single nucleotide variant.
Coding change: c.2646+55G>T on transcript NM_000152.5 (MANE Select); 55 bases into the intron after coding-DNA position 2646, G replaced by T.
Molecular consequence: intron variant.
Genome position (GRCh38, 1-based): chr17:80,118,412, G>T. VCF-style: chr17-80118412-G-T. GRCh37 (hg19) VCF-style: chr17-78092211-G-T.
Other names: c.2646+55G>T (LRG_673t1, NM_001079803.3, NM_001079804.3).
Identifiers: ClinVar variation 495668 (VCV000495668.2), dbSNP rs141765552, ClinGen allele CA294858177.
Genomic context (GRCh38, chr17:80,118,412, plus strand): 5'-AGGAATGTGAGTCCTGGGGCTGCTCAGGCTGGTGGGCAGGGGCCGGCTCGGGGTTGAGAA[G>T]GGGTGAGGGGACCTGGGCTTGGGGGTCCCACGATGGCTACCTGCCACTAGGACACTCTAG-3'